The following is an entry in ClinVar:

NM_001127671.2(LIFR):c.2887G>A (p.Ala963Thr)

Gene: LIFR (LIF receptor subunit alpha; minus strand). Cytogenetic location: 5p13.1.
Variant type: single nucleotide variant.
Coding change: c.2887G>A on transcript NM_001127671.2 (MANE Select); coding-DNA position 2887, G replaced by A.
Protein change: p.Ala963Thr; replaces alanine 963 with threonine.
Molecular consequence: missense variant.
Genome position (GRCh38, 1-based): chr5:38,482,002, C>T on the plus strand (G>A on the coding strand, the complement: LIFR is on the minus strand). VCF-style: chr5-38482002-C-T. GRCh37 (hg19) VCF-style: chr5-38482104-C-T.
Other names: c.2887G>A, p.Ala963Thr (NM_001364297.2, NM_002310.6); c.2854G>A, p.Ala952Thr (NM_001364298.2); short protein forms A952T, A963T.
Identifiers: ClinVar variation 1055784 (VCV001055784.4), dbSNP rs770022153, ClinGen allele CA3242547.
Genomic context (GRCh38, chr5:38,482,002, plus strand): 5'-GCTGATACATCGACTGAACATCAATGTAAATAACCTGTGCAGTCCCTCCAGCTTCATCTG[C>T]GGCTGGGTTTGGTATTTCTTCCTCAATGATGGGTGGACAATAGGACACAACCACATGGTT-3'
Protein context (NP_001121143.1, residues 953-973): IIEEEIPNPA[Ala963Thr]DEAGGTAQVI

ClinVar aggregate classification (germline): Uncertain significance. Review status: criteria provided, multiple submitters, no conflicts (2 of 4 stars). 3 submissions from 3 submitters: Uncertain significance (2). 1 of the submissions does not count toward it. Last evaluated 2024-05-23.

Conditions:
Stuve-Wiedemann syndrome (STWS). Also called: Stüve-Wiedemann syndrome. Identifiers: Orphanet 3206, MedGen C0796176, MONDO:0031280.
Stüve-Wiedemann syndrome 1. Also called: STUVE-WIEDEMANN/SCHWARTZ-JAMPEL TYPE 2 SYNDROME. Identifiers: Orphanet 3206, MedGen C5676888, MONDO:0800043, OMIM 601559.

Allele frequency attached by ClinVar (database versions not stated): ExAC 0.00002; gnomAD 0.00002; gnomAD exomes 0.00002; TOPMed 0.00004.
gnomAD v4.1: 13 of 1,614,004 alleles (0.00081%); highest among the groups gnomAD compares: African/African-American, 0.0093%; no homozygotes.

Submissions (3):

Fulgent Genetics
Classification: Uncertain significance for Stüve-Wiedemann syndrome 1. Last evaluated: 2024-05-23. Review status: criteria provided, single submitter. Criteria: ACMG Guidelines, 2015. Collection method: clinical testing. Allele origin: germline.

Labcorp Genetics (formerly Invitae), Labcorp
Classification: Uncertain significance. Last evaluated: 2021-09-01. Review status: criteria provided, single submitter. Criteria: Invitae Variant Classification Sherloc (09022015). Collection method: clinical testing. Allele origin: germline.
Comment: This sequence change replaces alanine with threonine at codon 963 of the LIFR protein (p.Ala963Thr). The alanine residue is moderately conserved and there is a small physicochemical difference between alanine and threonine. This variant is present in population databases (rs770022153, ExAC 0.02%). This variant has not been reported in the literature in individuals affected with LIFR-related conditions. Algorithms developed to predict the effect of missense changes on protein structure and function (SIFT, PolyPhen-2, Align-GVGD) all suggest that this variant is likely to be tolerated. In summary, the available evidence is currently insufficient to determine the role of this variant in disease. Therefore, it has been classified as a Variant of Uncertain Significance.

Natera, Inc.
Classification: Uncertain significance for Stuve-Wiedemann syndrome. Last evaluated: 2020-08-03. Review status: no assertion criteria provided. Collection method: clinical testing. Allele origin: germline. Not counted in ClinVar's aggregate classification.